The following is an entry in ClinVar:

NM_024675.4(PALB2):c.2234A>C (p.Lys745Thr)

Gene: PALB2 (partner and localizer of BRCA2; minus strand). Cytogenetic location: 16p12.2.
Variant type: single nucleotide variant.
Coding change: c.2234A>C on transcript NM_024675.4 (MANE Select); coding-DNA position 2234, A replaced by C.
Protein change: p.Lys745Thr; replaces lysine 745 with threonine.
Molecular consequence: missense variant. On other transcripts: intron variant (1).
Genome position (GRCh38, 1-based): chr16:23,629,920, T>G on the plus strand (A>C on the coding strand, the complement: PALB2 is on the minus strand). VCF-style: chr16-23629920-T-G. GRCh37 (hg19) VCF-style: chr16-23641241-T-G.
Other names: c.2234A>C, p.Lys745Thr (NM_001407297.1, NM_001407298.1, NM_001407299.1 and 3 more transcripts); c.1349A>C, p.Lys450Thr (NM_001407304.1, NM_001407305.1, NM_001407306.1 and 5 more transcripts); c.446A>C, p.Lys149Thr (NM_001407312.1, NM_001407313.1); c.49-645A>C (NM_001407314.1); c.2174A>C, p.Lys725Thr (NM_001407296.1); short protein forms K149T, K450T, K725T, K745T.
Identifiers: ClinVar variation 3689618 (VCV003689618.3).

ClinVar aggregate classification (germline): Uncertain significance. Review status: criteria provided, multiple submitters, no conflicts (2 of 4 stars). 2 submissions from 2 submitters: Uncertain significance (2). Last evaluated 2026-07-07.

Conditions:
Familial cancer of breast. Also called: Hereditary breast cancer; BREAST CANCER, FAMILIAL; hereditary breast carcinoma. Identifiers: Orphanet 227535, MedGen C0346153, MONDO:0016419, OMIM 114480. Disease mechanism: loss of function.
Hereditary cancer-predisposing syndrome. Also called: Tumor predisposition; Hereditary neoplastic syndrome; Hereditary Cancer Syndrome; Neoplastic Syndromes, Hereditary. Identifiers: Orphanet 140162, MedGen C0027672, MeSH D009386, MONDO:0015356.

Submissions (2):

Ambry Genetics
Classification: Uncertain significance for Hereditary cancer-predisposing syndrome. Last evaluated: 2026-07-07. Review status: criteria provided, single submitter. Criteria: Ambry Variant Classification Scheme 2023. Collection method: clinical testing. Allele origin: germline.
Comment: The p.K745T variant (also known as c.2234A>C), located in coding exon 5 of the PALB2 gene, results from an A to C substitution at nucleotide position 2234. The lysine at codon 745 is replaced by threonine, an amino acid with similar properties. This amino acid position is conserved. In addition, this alteration is predicted to be tolerated by in silico analysis. Based on the available evidence, the clinical significance of this variant remains unclear.

Labcorp Genetics (formerly Invitae), Labcorp
Classification: Uncertain significance for Familial cancer of breast. Last evaluated: 2024-04-20. Review status: criteria provided, single submitter. Criteria: Invitae Variant Classification Sherloc (09022015). Collection method: clinical testing. Allele origin: germline.
Comment: This sequence change replaces lysine, which is basic and polar, with threonine, which is neutral and polar, at codon 745 of the PALB2 protein (p.Lys745Thr). This variant is not present in population databases (gnomAD no frequency). This variant has not been reported in the literature in individuals affected with PALB2-related conditions. Advanced modeling of protein sequence and biophysical properties (such as structural, functional, and spatial information, amino acid conservation, physicochemical variation, residue mobility, and thermodynamic stability) performed at Invitae indicates that this missense variant is not expected to disrupt PALB2 protein function with a negative predictive value of 80%. In summary, the available evidence is currently insufficient to determine the role of this variant in disease. Therefore, it has been classified as a Variant of Uncertain Significance.